The following is an entry in ClinVar:

ClinVar aggregate classification (germline): Likely pathogenic. Review status: criteria provided, multiple submitters, no conflicts (2 of 4 stars). 3 submissions from 3 submitters: Likely pathogenic (2). 1 of the submissions does not count toward it. Last evaluated 2017-02-27.

Conditions:
Lissencephaly due to LIS1 mutation (LIS1). Also called: PAFAH1B1-Associated Lissencephaly/Subcortical Band Heterotopia; PAFAH1B1-Related Lissencephaly/Subcortical Band Heterotopia; Isolated Lissencephaly Sequence. Identifiers: Orphanet 95232, MedGen C4749301, MONDO:0011830, OMIM 607432.

Submissions (3):

GeneDx
Classification: Likely pathogenic. Last evaluated: 2017-02-27. Review status: criteria provided, single submitter. Criteria: GeneDx Variant Classification (06012015). Collection method: clinical testing. Allele origin: germline. Affected: yes.
Comment: A published E41K variant that is likely pathogenic has been identified in the PAFAH1B1 gene. The E41K variant has been reported previously in an individual with lissencephaly (Mei et al., 2008). It was not observed in approximately 6,100 individuals of European and African American ancestry in the NHLBI Exome Sequencing Project, indicating it is not a common benign variant in these populations. The E41K variant is a non-conservative amino acid substitution, which is likely to impact secondary protein structure as these residues differ in polarity, charge, size and/or other properties. This substitution occurs at a position that is conserved across species. In silico analysis is inconsistent in its predictions as to whether or not the variant is damaging to the protein structure/function. Therefore, this variant is likely pathogenic; however, the possibility that it is benign cannot be excluded.

Genetic Services Laboratory, University of Chicago
Classification: Likely pathogenic for Lissencephaly 1. Last evaluated: 2013-02-08. Review status: criteria provided, single submitter. Criteria: ACMG Guidelines, 2007. Collection method: clinical testing. Allele origin: germline. Inheritance: Autosomal dominant inheritance. Affected: yes.

Service de Génétique Moléculaire, Hôpital Robert Debré
Classification: Likely pathogenic for Lissencephaly due to LIS1 mutation. Review status: no assertion criteria provided. Collection method: clinical testing. Allele origin: unknown. Affected: yes. Not counted in ClinVar's aggregate classification.

NM_000430.4(PAFAH1B1):c.121G>A (p.Glu41Lys)

Gene: PAFAH1B1 (platelet activating factor acetylhydrolase 1b regulatory subunit 1; plus strand). Cytogenetic location: 17p13.3.
Variant type: single nucleotide variant.
Coding change: c.121G>A on transcript NM_000430.4 (MANE Select); coding-DNA position 121, G replaced by A.
Protein change: p.Glu41Lys; replaces glutamic acid 41 with lysine.
Molecular consequence: missense variant.
Genome position (GRCh38, 1-based): chr17:2,666,019, G>A. VCF-style: chr17-2666019-G-A. GRCh37 (hg19) VCF-style: chr17-2569313-G-A.
Other names: short protein forms E41K.
Identifiers: ClinVar variation 159503 (VCV000159503.8), dbSNP rs587784250, ClinGen allele CA272382.
Genomic context (GRCh38, chr17:2,666,019, plus strand): 5'-TGTCTTGAGGATCATAGTTAAGCCATTTTTTAAAAATTCTAAATTTATTTTCTCTAGAAT[G>A]AAGAATTAGATAAAAAGTATGCTGGTCTTTTGGAAAAAAAATGGACATCTGTTATTAGAT-3'
Protein context (NP_000421.1, residues 31-51): FKKEAELDVN[Glu41Lys]ELDKKYAGLL